The following is an entry in ClinVar:

NM_007254.4(PNKP):c.109C>T (p.Pro37Ser)

Gene: PNKP (polynucleotide kinase 3'-phosphatase; minus strand). Cytogenetic location: 19q13.33.
Variant type: single nucleotide variant.
Coding change: c.109C>T on transcript NM_007254.4 (MANE Select); coding-DNA position 109, C replaced by T.
Protein change: p.Pro37Ser; replaces proline 37 with serine.
Molecular consequence: missense variant.
Genome position (GRCh38, 1-based): chr19:49,867,096, G>A on the plus strand (C>T on the coding strand, the complement: PNKP is on the minus strand). VCF-style: chr19-49867096-G-A. GRCh37 (hg19) VCF-style: chr19-50370353-G-A.
Other names: short protein forms P37S.
Identifiers: ClinVar variation 849385 (VCV000849385.10), dbSNP rs536541839, ClinGen allele CA9587080.

ClinVar aggregate classification (germline): Uncertain significance (1 of 4 stars; one submission).

Conditions:
Developmental and epileptic encephalopathy, 12 (DEE12). Identifiers: MedGen C3150988, MONDO:0013389, OMIM 613722.

Allele frequency attached by ClinVar (database versions not stated): gnomAD exomes 0.00002; ExAC 0.00005; gnomAD 0.00009; TOPMed 0.00011; 1000 Genomes Project 0.00040; 1000 Genomes Project 30x 0.00047.
gnomAD v4.1: 16 of 1,613,772 alleles (0.00099%); highest among the groups gnomAD compares: African/African-American, 0.015%; no homozygotes.

Submission:

Labcorp Genetics (formerly Invitae), Labcorp
Classification: Uncertain significance for Developmental and epileptic encephalopathy, 12. Last evaluated: 2022-07-26. Review status: criteria provided, single submitter. Criteria: Invitae Variant Classification Sherloc (09022015). Collection method: clinical testing. Allele origin: germline.
Comment: This sequence change replaces proline, which is neutral and non-polar, with serine, which is neutral and polar, at codon 37 of the PNKP protein (p.Pro37Ser). This variant is present in population databases (rs536541839, gnomAD 0.03%). This variant has not been reported in the literature in individuals affected with PNKP-related conditions. ClinVar contains an entry for this variant (Variation ID: 849385). Algorithms developed to predict the effect of missense changes on protein structure and function are either unavailable or do not agree on the potential impact of this missense change (SIFT: "Tolerated"; PolyPhen-2: "Probably Damaging"; Align-GVGD: "Class C0"). In summary, the available evidence is currently insufficient to determine the role of this variant in disease. Therefore, it has been classified as a Variant of Uncertain Significance.